The following is an entry in ClinVar:

ClinVar aggregate classification (germline): Uncertain significance (1 of 4 stars; one submission).

Conditions:
46,XY sex reversal 9 (SRXY9). Also called: 46,XY SEX REVERSAL, ZFPM2-RELATED. Identifiers: Orphanet 251510, MedGen C4015129, MONDO:0014480, OMIM 616067.

gnomAD v4.1: 11 of 1,613,996 alleles (0.00068%); highest among the groups gnomAD compares: Non-Finnish European, 0.00093%; no homozygotes.

Submission:

Labcorp Genetics (formerly Invitae), Labcorp
Classification: Uncertain significance for 46,XY sex reversal 9. Last evaluated: 2024-02-12. Review status: criteria provided, single submitter. Criteria: Invitae Variant Classification Sherloc (09022015). Collection method: clinical testing. Allele origin: germline.
Comment: This sequence change replaces serine, which is neutral and polar, with arginine, which is basic and polar, at codon 586 of the ZFPM2 protein (p.Ser586Arg). This variant is not present in population databases (gnomAD no frequency). This variant has not been reported in the literature in individuals affected with ZFPM2-related conditions. An algorithm developed to predict the effect of missense changes on protein structure and function (PolyPhen-2) suggests that this variant is likely to be tolerated. In summary, the available evidence is currently insufficient to determine the role of this variant in disease. Therefore, it has been classified as a Variant of Uncertain Significance.

NM_012082.4(ZFPM2):c.1758T>A (p.Ser586Arg)

Genes: ZFPM2 (zinc finger protein, FOG family member 2; plus strand), ZFPM2-AS1 (ZFPM2 antisense RNA 1; minus strand). Cytogenetic location: 8q23.1.
Variant type: single nucleotide variant.
Coding change: c.1758T>A on transcript NM_012082.4 (MANE Select); coding-DNA position 1758, T replaced by A.
Protein change: p.Ser586Arg; replaces serine 586 with arginine.
Molecular consequence: missense variant.
Genome position (GRCh38, 1-based): chr8:105,801,840, T>A. VCF-style: chr8-105801840-T-A. GRCh37 (hg19) VCF-style: chr8-106814068-T-A.
Other names: c.1599T>A, p.Ser533Arg (NM_001362836.2); c.1362T>A, p.Ser454Arg (NM_001362837.2); short protein forms S586R, S533R, S454R.
Identifiers: ClinVar variation 3689832 (VCV003689832.2).
Genomic context (GRCh38, chr8:105,801,840, plus strand): 5'-CAAAAAGCATTATTGCAGCAGCCGATGGCAGCAGATGGCTAAGTCCCCAGAGTTCCCTAG[T>A]GTGTCAGAAAAGATGCCTGAAGCTTTGAGTCCCAACACTGGCCAAACCTCCATAAACCTT-3'
Protein context (NP_036214.2, residues 576-596): QQMAKSPEFP[Ser586Arg]VSEKMPEALS